The following is an entry in ClinVar:

NM_001161352.2(KCNMA1):c.463G>A (p.Glu155Lys)

Gene: KCNMA1 (potassium calcium-activated channel subfamily M alpha 1; minus strand). Cytogenetic location: 10q22.3.
Variant type: single nucleotide variant.
Coding change: c.463G>A on transcript NM_001161352.2 (MANE Select); coding-DNA position 463, G replaced by A.
Protein change: p.Glu155Lys; replaces glutamic acid 155 with lysine.
Molecular consequence: missense variant. On other transcripts: intron variant (1).
Genome position (GRCh38, 1-based): chr10:77,403,939, C>T on the plus strand (G>A on the coding strand, the complement: KCNMA1 is on the minus strand). VCF-style: chr10-77403939-C-T. GRCh37 (hg19) VCF-style: chr10-79163697-C-T.
Other names: c.463G>A, p.Glu155Lys (NM_001014797.3, NM_001161353.2, NM_001271519.2 and 8 more transcripts); c.379-152683G>A (NM_001271518.2); short protein forms E155K.
Identifiers: ClinVar variation 2086112 (VCV002086112.28), dbSNP rs202188099, ClinGen allele CA5568694.

ClinVar aggregate classification (germline): Uncertain significance. Review status: criteria provided, multiple submitters, no conflicts (2 of 4 stars). 2 submissions from 2 submitters: Uncertain significance (2). Last evaluated 2024-11-18.

Conditions:
Generalized epilepsy-paroxysmal dyskinesia syndrome (PNKD3). Also called: Generalized epilepsy and paroxysmal dyskinesia; Paroxysmal nonkinesigenic dyskinesia, 3, with or without generalized epilepsy. Identifiers: Orphanet 79137, MedGen C5574945, MONDO:0012276, OMIM 609446.

Allele frequency attached by ClinVar (database versions not stated): ExAC 0.00001; gnomAD 0.00002; TOPMed 0.00002; ESP Exome Variant Server 0.00008.
gnomAD v4.1: 27 of 1,614,058 alleles (0.0017%); highest among the groups gnomAD compares: Non-Finnish European, 0.002%; no homozygotes.

Submissions (2):

Labcorp Genetics (formerly Invitae), Labcorp
Classification: Uncertain significance for Generalized epilepsy-paroxysmal dyskinesia syndrome. Last evaluated: 2024-11-18. Review status: criteria provided, single submitter. Criteria: Invitae Variant Classification Sherloc (09022015). Collection method: clinical testing. Allele origin: germline.
Comment: This sequence change replaces glutamic acid, which is acidic and polar, with lysine, which is basic and polar, at codon 155 of the KCNMA1 protein (p.Glu155Lys). This variant is present in population databases (rs202188099, gnomAD 0.003%). This variant has not been reported in the literature in individuals affected with KCNMA1-related conditions. ClinVar contains an entry for this variant (Variation ID: 2086112). Invitae Evidence Modeling of protein sequence and biophysical properties (such as structural, functional, and spatial information, amino acid conservation, physicochemical variation, residue mobility, and thermodynamic stability) indicates that this missense variant is not expected to disrupt KCNMA1 protein function with a negative predictive value of 80%. In summary, the available evidence is currently insufficient to determine the role of this variant in disease. Therefore, it has been classified as a Variant of Uncertain Significance.

CeGaT Center for Human Genetics Tuebingen
Classification: Uncertain significance. Last evaluated: 2022-07-01. Review status: criteria provided, single submitter. Criteria: CeGaT Center For Human Genetics Tuebingen Variant Classification Criteria Version 2. Collection method: clinical testing. Allele origin: germline. Affected: yes. Observed: 1 variant allele.
Comment: KCNMA1: PP2